The following is an entry in ClinVar:

NM_001365951.3(KIF1B):c.53G>A (p.Arg18Gln)

Genes: KIF1B (kinesin family member 1B; plus strand), LOC129388446 (MPRA-validated peak64 silencer; plus strand). Cytogenetic location: 1p36.22.
Variant type: single nucleotide variant.
Coding change: c.53G>A on transcript NM_001365951.3 (MANE Select); coding-DNA position 53, G replaced by A.
Protein change: p.Arg18Gln; replaces arginine 18 with glutamine.
Molecular consequence: missense variant.
Genome position (GRCh38, 1-based): chr1:10,232,381, G>A. VCF-style: chr1-10232381-G-A. GRCh37 (hg19) VCF-style: chr1-10292439-G-A.
Other names: c.53G>A, p.Arg18Gln (NM_015074.3, NM_183416.4, NM_001365952.1 and 1 more transcripts); short protein forms R18Q.
Identifiers: ClinVar variation 3226545 (VCV003226545.2), dbSNP rs2523352757, ClinGen allele CA338316035.
Genomic context (GRCh38, chr1:10,232,381, plus strand): 5'-CCATTAAAATGTCGGGAGCCTCAGTGAAGGTGGCTGTCCGGGTAAGGCCCTTCAATTCTC[G>A]AGAGACCAGCAAGGAATCCAAATGCATCATTCAGATGCAAGGCAACTCGACCAGTGAGTA-3'
Protein context (NP_001352880.1, residues 8-28): VAVRVRPFNS[Arg18Gln]ETSKESKCII

ClinVar aggregate classification (germline): Uncertain significance (1 of 4 stars; one submission).

gnomAD v4.1: 2 of 1,614,058 alleles (0.00012%); highest among the groups gnomAD compares: Non-Finnish European, 0.00017%; no homozygotes.

Submission:

Ambry Genetics
Classification: Uncertain significance. Last evaluated: 2025-10-11. Review status: criteria provided, single submitter. Criteria: Ambry Variant Classification Scheme 2023. Collection method: clinical testing. Allele origin: germline.
Comment: The p.R18Q variant (also known as c.53G>A), located in coding exon 1 of the KIF1B gene, results from a G to A substitution at nucleotide position 53. The arginine at codon 18 is replaced by glutamine, an amino acid with highly similar properties. This amino acid position is highly conserved in available vertebrate species. In addition, the in silico prediction for this alteration is inconclusive. The evidence for this gene-disease relationship is limited; therefore, the clinical significance of this alteration is unclear.